The following is an entry in ClinVar:

ClinVar aggregate classification (germline): Uncertain significance (1 of 4 stars; one submission).

gnomAD v4.1: 1 of 1,613,760 alleles (0.000062%); highest among the groups gnomAD compares: Non-Finnish European, 0.000085%; no homozygotes.

Submission:

Labcorp Genetics (formerly Invitae), Labcorp
Classification: Uncertain significance. Last evaluated: 2024-09-29. Review status: criteria provided, single submitter. Criteria: Invitae Variant Classification Sherloc (09022015). Collection method: clinical testing. Allele origin: germline.
Comment: This sequence change replaces isoleucine, which is neutral and non-polar, with valine, which is neutral and non-polar, at codon 38 of the ANKH protein (p.Ile38Val). This variant is not present in population databases (gnomAD no frequency). This variant has not been reported in the literature in individuals affected with ANKH-related conditions. Invitae Evidence Modeling of protein sequence and biophysical properties (such as structural, functional, and spatial information, amino acid conservation, physicochemical variation, residue mobility, and thermodynamic stability) indicates that this missense variant is not expected to disrupt ANKH protein function with a negative predictive value of 80%. In summary, the available evidence is currently insufficient to determine the role of this variant in disease. Therefore, it has been classified as a Variant of Uncertain Significance.

NM_054027.6(ANKH):c.112A>G (p.Ile38Val)

Gene: ANKH (ANKH inorganic pyrophosphate transport regulator; minus strand). Cytogenetic location: 5p15.2.
Variant type: single nucleotide variant.
Coding change: c.112A>G on transcript NM_054027.6 (MANE Select); coding-DNA position 112, A replaced by G.
Protein change: p.Ile38Val; replaces isoleucine 38 with valine.
Molecular consequence: missense variant.
Genome position (GRCh38, 1-based): chr5:14,769,176, T>C on the plus strand (A>G on the coding strand, the complement: ANKH is on the minus strand). VCF-style: chr5-14769176-T-C. GRCh37 (hg19) VCF-style: chr5-14769285-T-C.
Other names: short protein forms I38V.
Identifiers: ClinVar variation 3700450 (VCV003700450.2).